The following is an entry in ClinVar:

NM_000077.5(CDKN2A):c.457G>A (p.Asp153Asn)

Gene: CDKN2A (cyclin dependent kinase inhibitor 2A; minus strand). Cytogenetic location: 9p21.3.
Variant type: single nucleotide variant.
Coding change: c.457G>A on transcript NM_000077.5; coding-DNA position 457, G replaced by A.
Protein change: p.Asp153Asn; replaces aspartic acid 153 with asparagine.
Molecular consequence: missense variant (on NM_000077.6). On other transcripts: 3 prime UTR variant (2).
Genome position (GRCh38, 1-based): chr9:21,970,902, C>T on the plus strand (G>A on the coding strand, the complement: CDKN2A is on the minus strand). VCF-style: chr9-21970902-C-T. GRCh37 (hg19) VCF-style: chr9-21970901-C-T.
Other names: c.457G>A, p.Asp153Asn (NM_000077.6); c.457G>A, p.Glu153Lys (NM_001195132.2); c.304G>A, p.Asp102Asn (NM_001363763.2); c.*101G>A (NM_058195.4); c.*380G>A (NM_058197.5); short protein forms D153N, E153K, D102N.
Identifiers: ClinVar variation 532292 (VCV000532292.12), dbSNP rs45476696, ClinGen allele CA190729569.

ClinVar aggregate classification (germline): Conflicting classifications of pathogenicity. Review status: criteria provided, conflicting classifications (1 of 4 stars). 2 submissions from 2 submitters: Likely pathogenic (1); Uncertain significance (1). Last evaluated 2025-10-21.

Conditions:
Hereditary cancer-predisposing syndrome. Also called: Hereditary neoplastic syndrome; Tumor predisposition; Neoplastic Syndromes, Hereditary; Hereditary Cancer Syndrome. Identifiers: Orphanet 140162, MedGen C0027672, MeSH D009386, MONDO:0015356.
Familial melanoma. Also called: Hereditary melanoma; Hereditary cutaneous melanoma. Identifiers: Orphanet 618, MedGen C1512419, MONDO:0018961.

Allele frequency attached by ClinVar (database versions not stated): TOPMed below 0.00001.

Submissions (5):

Labcorp Genetics (formerly Invitae), Labcorp
Classification: Uncertain significance for Familial melanoma. Last evaluated: 2025-10-21. Review status: criteria provided, single submitter. Criteria: Invitae Variant Classification Sherloc (09022015). Collection method: clinical testing. Allele origin: germline.
Comment: This sequence change replaces aspartic acid, which is acidic and polar, with asparagine, which is neutral and polar, at codon 153 of the CDKN2A (p16INK4a) protein (p.Asp153Asn). This variant also falls at the last nucleotide of exon 2, which is part of the consensus splice site for this exon. This variant is not present in population databases (gnomAD no frequency). This missense change has been observed in individual(s) with melanoma (PMID: 20539244). ClinVar contains an entry for this variant (Variation ID: 532292). An algorithm developed to predict the effect of missense changes on protein structure and function (PolyPhen-2) suggests that this variant is likely to be tolerated. Variants that disrupt the consensus splice site are a relatively common cause of aberrant splicing (PMID: 17576681, 9536098). Algorithms developed to predict the effect of sequence changes on RNA splicing suggest that this variant may disrupt the consensus splice site. This variant disrupts the c.457G nucleotide in the CDKN2A (p16INK4a) gene. Other variant(s) that disrupt this nucleotide have been determined to be pathogenic (PMID: 12853981, 14508519, 24737347). This suggests that this nucleotide is clinically significant, and that variants that disrupt this position are likely to be disease-causing. In summary, the available evidence is currently insufficient to determine the role of this variant in disease. Therefore, it has been classified as a Variant of Uncertain Significance.

Ambry Genetics
Classification: Likely pathogenic for Hereditary cancer-predisposing syndrome. Last evaluated: 2024-10-02. Review status: criteria provided, single submitter. Criteria: Ambry Variant Classification Scheme 2023. Collection method: clinical testing. Allele origin: germline.
Comment: The p.D153N variant (also known as c.457G>A), located in coding exon 2 of the CDKN2A gene, results from a G to A substitution at nucleotide position 457. The amino acid change results in aspartic acid to asparagine at codon 153, an amino acid with highly similar properties. Of note, this variant is also known as c.*101G>A in the p14(ARF) isoform. This alteration was identified in individuals CDKN2A-associated disease (Ambry internal data; de Torre C et al. Melanoma Res 2010 Aug;20(4):342-8). However, this change occurs in the last base pair of coding exon 2, which makes it likely to have some effect on normal mRNA splicing. This nucleotide position is highly conserved in available vertebrate species. In silico splice site analysis predicts that this alteration will weaken the native splice donor site; however, direct evidence is insufficient at this time (Ambry internal data). Another alteration impacting the same donor site (c.457G>T) has been shown to result in aberrant splicing and has been detected in affected individuals (Ambry internal data; Rutter JL et al. Oncogene 2003 Jul; 22(28):4444-8; Loo JC et al. Oncogene 2003 Sep;22(41):6387-94.) Based on the majority of available evidence to date, this variant is likely to be pathogenic.

Dr. Peter K. Rogan Lab, Western University
No classification provided (evidence only). Condition: Clear cell carcinoma of kidney. Review status: no classification provided. Collection method: in vitro. Allele origin: not applicable. Functional consequence: retained intron. Not counted in ClinVar's aggregate classification.

Dr. Peter K. Rogan Lab, Western University
No classification provided (evidence only). Condition: Squamous cell carcinoma of the head and neck. Review status: no classification provided. Collection method: in vitro. Allele origin: not applicable. Functional consequence: retained intron. Not counted in ClinVar's aggregate classification.

Dr. Peter K. Rogan Lab, Western University
No classification provided (evidence only). Condition: Malignant tumor of esophagus. Review status: no classification provided. Collection method: in vitro. Allele origin: not applicable. Functional consequence: retained intron. Not counted in ClinVar's aggregate classification.

Literature cited by the submitters: PubMed 20539244 (cited by Labcorp Genetics (formerly Invitae), Labcorp and Ambry Genetics); PubMed 17576681 (cited by Labcorp Genetics (formerly Invitae), Labcorp); PubMed 9536098 (cited by Labcorp Genetics (formerly Invitae), Labcorp); PubMed 12853981 (cited by Labcorp Genetics (formerly Invitae), Labcorp); PubMed 14508519 (cited by Labcorp Genetics (formerly Invitae), Labcorp); PubMed 24737347 (cited by Labcorp Genetics (formerly Invitae), Labcorp).